The following is an entry in ClinVar:

NM_020923.3(ZDBF2):c.453T>A (p.Phe151Leu)

Gene: ZDBF2 (zinc finger DBF-type containing 2; plus strand). Cytogenetic location: 2q33.3.
Variant type: single nucleotide variant.
Coding change: c.453T>A on transcript NM_020923.3 (MANE Select); coding-DNA position 453, T replaced by A.
Protein change: p.Phe151Leu; replaces phenylalanine 151 with leucine.
Molecular consequence: missense variant.
Genome position (GRCh38, 1-based): chr2:206,304,981, T>A. VCF-style: chr2-206304981-T-A. GRCh37 (hg19) VCF-style: chr2-207169705-T-A.
Other names: c.447T>A, p.Phe149Leu (NM_001285549.2); c.453T>A, p.Phe151Leu (NM_001369654.1); short protein forms F151L, F149L.
Identifiers: ClinVar variation 2972227 (VCV002972227.3), dbSNP rs1472869447, ClinGen allele CA350040689.

ClinVar aggregate classification (germline): Uncertain significance (1 of 4 stars; one submission).

Allele frequency attached by ClinVar (database versions not stated): gnomAD 0.00001; gnomAD exomes 0.00001; TOPMed 0.00001.

Submission:

Labcorp Genetics (formerly Invitae), Labcorp
Classification: Uncertain significance. Last evaluated: 2023-09-04. Review status: criteria provided, single submitter. Criteria: Invitae Variant Classification Sherloc (09022015). Collection method: clinical testing. Allele origin: germline.
Comment: This sequence change replaces phenylalanine, which is neutral and non-polar, with leucine, which is neutral and non-polar, at codon 151 of the ZDBF2 protein (p.Phe151Leu). This variant is present in population databases (no rsID available, gnomAD 0.006%). This variant has not been reported in the literature in individuals affected with ZDBF2-related conditions. Algorithms developed to predict the effect of missense changes on protein structure and function output the following: SIFT: "Not Available"; PolyPhen-2: "Benign"; Align-GVGD: "Not Available". The leucine amino acid residue is found in multiple mammalian species, which suggests that this missense change does not adversely affect protein function. In summary, the available evidence is currently insufficient to determine the role of this variant in disease. Therefore, it has been classified as a Variant of Uncertain Significance.